The following is an entry in ClinVar:

NM_004369.4(COL6A3):c.5820C>T (p.Ser1940=)

Gene: COL6A3 (collagen type VI alpha 3 chain; minus strand). Cytogenetic location: 2q37.3.
Variant type: single nucleotide variant.
Coding change: c.5820C>T on transcript NM_004369.4 (MANE Select); coding-DNA position 5820, C replaced by T.
Protein change: p.Ser1940=; no amino-acid change (serine 1940 retained).
Molecular consequence: synonymous variant.
Genome position (GRCh38, 1-based): chr2:237,365,716, G>A on the plus strand (C>T on the coding strand, the complement: COL6A3 is on the minus strand). VCF-style: chr2-237365716-G-A. GRCh37 (hg19) VCF-style: chr2-238274359-G-A.
Other names: p.Ser1940=; c.3999C>T, p.Ser1333= (NM_057166.5); c.5202C>T, p.Ser1734= (NM_057167.4).
Identifiers: ClinVar variation 259306 (VCV000259306.49), dbSNP rs113542401, ClinGen allele CA2188575.
Genomic context (GRCh38, chr2:237,365,716, plus strand): 5'-GAAATTTCCCAGGGAGCACCTGAACCAACTGGCCCCACAGACCTTCACGCTGTCCGGCGA[G>A]GACTGTCTGAACTTGTTCAGGTAGACCTTCAGGGTGTCCTCCGTGAGGACGTAGGGGTGC-3'
Protein context (NP_004360.2, residues 1930-1950): LKVYLNKFRQ[Ser1940=]SPDSVKVVIH

ClinVar aggregate classification (germline): Benign/Likely benign. Review status: criteria provided, multiple submitters, no conflicts (2 of 4 stars). 9 submissions from 9 submitters: Benign (4); Likely benign (5). Last evaluated 2025-12-24.

Conditions:
Collagen 6-related myopathy. Identifiers: MedGen CN117976, MONDO:0100225.
Bethlem myopathy 1A. Also called: Bethlem myopathy 1; MYOPATHY, BENIGN CONGENITAL, WITH CONTRACTURES; Bethlem Muscular Dystrophy. Identifiers: Orphanet 610, MedGen CN029274, MONDO:0024530, OMIM 158810.

Allele frequency attached by ClinVar (database versions not stated): gnomAD exomes 0.00026 and 0.00063; ExAC 0.00074; gnomAD 0.00253 and 0.00272; 1000 Genomes Project 0.00260; TOPMed 0.00285; 1000 Genomes Project 30x 0.00297; ESP Exome Variant Server 0.00338.
gnomAD v4.1: 786 of 1,614,210 alleles (0.049%); highest among the groups gnomAD compares: African/African-American, 0.96%; 2 homozygotes.

Submissions (9):

Labcorp Genetics (formerly Invitae), Labcorp
Classification: Benign for Bethlem myopathy 1A. Last evaluated: 2025-12-24. Review status: criteria provided, single submitter. Criteria: Invitae Variant Classification Sherloc (09022015). Collection method: clinical testing. Allele origin: germline.

Mayo Clinic Laboratories, Mayo Clinic
Classification: Likely benign. Last evaluated: 2025-03-05. Review status: criteria provided, single submitter. Criteria: ACMG Guidelines, 2015. Collection method: clinical testing. Allele origin: germline. Observed: 1 variant allele.
Comment: BS1, BP4, BP7

Athena Diagnostics
Classification: Benign. Last evaluated: 2025-02-21. Review status: criteria provided, single submitter. Criteria: Athena Diagnostics Criteria. Collection method: clinical testing. Allele origin: unknown.
Comment: The frequency of this variant in the general population is higher than would generally be expected for pathogenic variants in this gene.

Blueprint Genetics
Classification: Likely benign. Last evaluated: 2024-10-09. Review status: criteria provided, single submitter. Criteria: ACMG Guidelines, 2015. Collection method: clinical testing. Allele origin: germline.

CeGaT Center for Human Genetics Tuebingen
Classification: Likely benign. Last evaluated: 2023-12-01. Review status: criteria provided, single submitter. Criteria: CeGaT Center For Human Genetics Tuebingen Variant Classification Criteria Version 2. Collection method: clinical testing. Allele origin: germline. Affected: yes. Observed: 1 variant allele.
Comment: COL6A3: BP4, BP7

GeneDx
Classification: Likely benign. Last evaluated: 2020-10-20. Review status: criteria provided, single submitter. Criteria: GeneDx Variant Classification Process June 2021. Collection method: clinical testing. Allele origin: germline. Affected: yes.

Illumina Laboratory Services, Illumina
Classification: Benign for Collagen VI-related myopathy. Last evaluated: 2018-01-12. Review status: criteria provided, single submitter. Criteria: ICSL Variant Classification Criteria 13 December 2019. Collection method: clinical testing. Allele origin: germline.
Comment: This variant was observed in the ICSL laboratory as part of a predisposition screen in an ostensibly healthy population. It had not been previously curated by ICSL or reported in the Human Gene Mutation Database (HGMD: prior to June 1st, 2018), and was therefore a candidate for classification through an automated scoring system. Utilizing variant allele frequency, disease prevalence and penetrance estimates, and inheritance mode, an automated score was calculated to assess if this variant is too frequent to cause the disease. Based on the score and internal cut-off values, a variant classified as benign is not then subjected to further curation. The score for this variant resulted in a classification of benign for this disease.

Eurofins Ntd Llc (ga)
Classification: Benign. Last evaluated: 2016-08-30. Review status: criteria provided, single submitter. Criteria: EGL Classification Definitions 2015. Collection method: clinical testing. Allele origin: germline. Observed: 6 variant alleles, 5 heterozygotes, 1 homozygote.

PreventionGenetics, part of Exact Sciences
Classification: Likely benign. Review status: criteria provided, single submitter. Criteria: ACMG Guidelines, 2015. Collection method: clinical testing. Allele origin: germline.